The following is an entry in ClinVar:

ClinVar aggregate classification (germline): Conflicting classifications of pathogenicity. Review status: criteria provided, conflicting classifications (1 of 4 stars). 2 submissions from 2 submitters: Uncertain significance (1); Likely benign (1). Last evaluated 2025-12-23.

Conditions:
Inborn genetic diseases. Identifiers: MedGen C0950123, MeSH D030342.

gnomAD v4.1: 7 of 1,613,550 alleles (0.00043%); highest among the groups gnomAD compares: African/African-American, 0.008%; no homozygotes.

Submissions (2):

Labcorp Genetics (formerly Invitae), Labcorp
Classification: Uncertain significance. Last evaluated: 2025-12-23. Review status: criteria provided, single submitter. Criteria: Invitae Variant Classification Sherloc (09022015). Collection method: clinical testing. Allele origin: germline.
Comment: This sequence change replaces proline, which is neutral and non-polar, with leucine, which is neutral and non-polar, at codon 459 of the THBD protein (p.Pro459Leu). This variant is present in population databases (no rsID available, gnomAD 0.02%). This variant has not been reported in the literature in individuals affected with THBD-related conditions. ClinVar contains an entry for this variant (Variation ID: 3456074). Invitae Evidence Modeling of protein sequence and biophysical properties (such as structural, functional, and spatial information, amino acid conservation, physicochemical variation, residue mobility, and thermodynamic stability) indicates that this missense variant is not expected to disrupt THBD protein function with a negative predictive value of 80%. In summary, the available evidence is currently insufficient to determine the role of this variant in disease. Therefore, it has been classified as a Variant of Uncertain Significance.

Ambry Genetics
Classification: Likely benign for Inborn genetic diseases. Last evaluated: 2024-09-02. Review status: criteria provided, single submitter. Criteria: Ambry Variant Classification Scheme 2023. Collection method: clinical testing. Allele origin: germline.

NM_000361.3(THBD):c.1376C>T (p.Pro459Leu)

Gene: THBD (thrombomodulin; minus strand). Cytogenetic location: 20p11.21.
Variant type: single nucleotide variant.
Coding change: c.1376C>T on transcript NM_000361.3 (MANE Select); coding-DNA position 1376, C replaced by T.
Protein change: p.Pro459Leu; replaces proline 459 with leucine.
Molecular consequence: missense variant.
Genome position (GRCh38, 1-based): chr20:23,048,129, G>A on the plus strand (C>T on the coding strand, the complement: THBD is on the minus strand). VCF-style: chr20-23048129-G-A. GRCh37 (hg19) VCF-style: chr20-23028766-G-A.
Other names: short protein forms P459L.
Identifiers: ClinVar variation 3456074 (VCV003456074.2).